The following is an entry in ClinVar:

NM_182641.4(BPTF):c.1705A>C (p.Asn569His)

Gene: BPTF (bromodomain PHD finger transcription factor; plus strand). Cytogenetic location: 17q24.2.
Variant type: single nucleotide variant.
Coding change: c.1705A>C on transcript NM_182641.4 (MANE Select); coding-DNA position 1705, A replaced by C.
Protein change: p.Asn569His; replaces asparagine 569 with histidine.
Molecular consequence: missense variant.
Genome position (GRCh38, 1-based): chr17:67,874,861, A>C. VCF-style: chr17-67874861-A-C. GRCh37 (hg19) VCF-style: chr17-65870977-A-C.
Other names: c.1705A>C, p.Asn569His (NM_004459.7); short protein forms N569H.
Identifiers: ClinVar variation 3662418 (VCV003662418.2).

ClinVar aggregate classification (germline): Uncertain significance (1 of 4 stars; one submission).

Submission:

Labcorp Genetics (formerly Invitae), Labcorp
Classification: Uncertain significance. Last evaluated: 2024-08-19. Review status: criteria provided, single submitter. Criteria: Invitae Variant Classification Sherloc (09022015). Collection method: clinical testing. Allele origin: germline.
Comment: This sequence change replaces asparagine, which is neutral and polar, with histidine, which is basic and polar, at codon 569 of the BPTF protein (p.Asn569His). This variant is not present in population databases (gnomAD no frequency). This variant has not been reported in the literature in individuals affected with BPTF-related conditions. An algorithm developed to predict the effect of missense changes on protein structure and function (PolyPhen-2) suggests that this variant is likely to be tolerated. In summary, the available evidence is currently insufficient to determine the role of this variant in disease. Therefore, it has been classified as a Variant of Uncertain Significance.